The following is an entry in ClinVar:

ClinVar aggregate classification (germline): Uncertain significance. Review status: criteria provided, multiple submitters, no conflicts (2 of 4 stars). 4 submissions from 4 submitters: Uncertain significance (4). Last evaluated 2025-11-04.

Conditions:
Inborn genetic diseases. Identifiers: MedGen C0950123, MeSH D030342.
Developmental and epileptic encephalopathy, 21 (DEE21). Also called: Early infantile epileptic encephalopathy 21. Identifiers: Orphanet 442835, MedGen C4014430, MONDO:0014360, OMIM 615833.

Allele frequency attached by ClinVar (database versions not stated): ExAC 0.00012; 1000 Genomes Project 30x 0.00016; gnomAD exomes 0.00016 and 0.00027; 1000 Genomes Project 0.00020; ESP Exome Variant Server 0.00023; gnomAD 0.00025 and 0.00027; TOPMed 0.00026.
gnomAD v4.1: 431 of 1,614,126 alleles (0.027%); highest among the groups gnomAD compares: Non-Finnish European, 0.031%; 2 homozygotes.

Submissions (4):

Labcorp Genetics (formerly Invitae), Labcorp
Classification: Uncertain significance for Developmental and epileptic encephalopathy, 21. Last evaluated: 2025-11-04. Review status: criteria provided, single submitter. Criteria: Invitae Variant Classification Sherloc (09022015). Collection method: clinical testing. Allele origin: germline.
Comment: This sequence change replaces threonine, which is neutral and polar, with methionine, which is neutral and non-polar, at codon 84 of the NECAP1 protein (p.Thr84Met). This variant is present in population databases (rs137964265, gnomAD 0.03%). This variant has not been reported in the literature in individuals affected with NECAP1-related conditions. ClinVar contains an entry for this variant (Variation ID: 475005). An algorithm developed to predict the effect of missense changes on protein structure and function (PolyPhen-2) suggests that this variant is likely to be disruptive. In summary, the available evidence is currently insufficient to determine the role of this variant in disease. Therefore, it has been classified as a Variant of Uncertain Significance.

Blueprint Genetics
Classification: Uncertain significance. Last evaluated: 2024-11-20. Review status: criteria provided, single submitter. Criteria: ACMG Guidelines, 2015. Collection method: clinical testing. Allele origin: germline.

CeGaT Center for Human Genetics Tuebingen
Classification: Uncertain significance. Last evaluated: 2022-03-01. Review status: criteria provided, single submitter. Criteria: CeGaT Center For Human Genetics Tuebingen Variant Classification Criteria Version 2. Collection method: clinical testing. Allele origin: germline. Affected: yes. Observed: 1 variant allele.

Ambry Genetics
Classification: Uncertain significance for Inborn genetic diseases. Last evaluated: 2021-09-16. Review status: criteria provided, single submitter. Criteria: Ambry Variant Classification Scheme 2023. Collection method: clinical testing. Allele origin: germline.

NM_015509.4(NECAP1):c.251C>T (p.Thr84Met)

Gene: NECAP1 (NECAP endocytosis associated 1; plus strand). Cytogenetic location: 12p13.31.
Variant type: single nucleotide variant.
Coding change: c.251C>T on transcript NM_015509.4 (MANE Select); coding-DNA position 251, C replaced by T.
Protein change: p.Thr84Met; replaces threonine 84 with methionine.
Molecular consequence: missense variant. On other transcripts: non-coding transcript variant (1).
Genome position (GRCh38, 1-based): chr12:8,090,249, C>T. VCF-style: chr12-8090249-C-T. GRCh37 (hg19) VCF-style: chr12-8242845-C-T.
Other names: short protein forms T84M.
Identifiers: ClinVar variation 475005 (VCV000475005.33), dbSNP rs137964265, ClinGen allele CA6432204.